The following is an entry in ClinVar:

NM_020247.5(COQ8A):c.730+3G>A

Gene: COQ8A (coenzyme Q8A; plus strand). Cytogenetic location: 1q42.13.
Variant type: single nucleotide variant.
Coding change: c.730+3G>A on transcript NM_020247.5 (MANE Select); 3 bases into the intron after coding-DNA position 730, G replaced by A.
Molecular consequence: intron variant.
Genome position (GRCh38, 1-based): chr1:226,977,526, G>A. VCF-style: chr1-226977526-G-A. GRCh37 (hg19) VCF-style: chr1-227165227-G-A.
Identifiers: ClinVar variation 4807395 (VCV004807395.1).
Genomic context (GRCh38, chr1:226,977,526, plus strand): 5'-GGCTTCGGGGCACTGGCAGAGGTCGCCAAGAAGAGCCTGCGCTCCGAGGACCCCTCAGGT[G>A]AGCCGGGCCCTTCAGTGGGAGGGGCAGGGTGGGCCCCGGGAGGGTTGAGCCTGTCAGCCC-3'

ClinVar aggregate classification (germline): Uncertain significance (1 of 4 stars; one submission).

gnomAD v4.1: 4 of 1,556,482 alleles (0.00026%); highest among the groups gnomAD compares: South Asian, 0.0047%; 1 homozygote.

Submission:

Labcorp Genetics (formerly Invitae), Labcorp
Classification: Uncertain significance. Last evaluated: 2025-04-08. Review status: criteria provided, single submitter. Criteria: Invitae Variant Classification Sherloc (09022015). Collection method: clinical testing. Allele origin: germline.
Comment: This sequence change falls in intron 5 of the COQ8A gene. It does not directly change the encoded amino acid sequence of the COQ8A protein. It affects a nucleotide within the consensus splice site. The frequency data for this variant in the population databases is considered unreliable, as metrics indicate poor data quality at this position in the gnomAD database. This variant has not been reported in the literature in individuals affected with COQ8A-related conditions. Variants that disrupt the consensus splice site are a relatively common cause of aberrant splicing (PMID: 17576681, 9536098). Algorithms developed to predict the effect of sequence changes on RNA splicing suggest that this variant is not likely to affect RNA splicing. In summary, the available evidence is currently insufficient to determine the role of this variant in disease. Therefore, it has been classified as a Variant of Uncertain Significance.

Literature cited by the submitters: PubMed 17576681; PubMed 9536098.